The following is an entry in ClinVar:

ClinVar aggregate classification (germline): Uncertain significance (1 of 4 stars; one submission).

Allele frequency attached by ClinVar (database versions not stated): ExAC 0.00001.

Submission:

Labcorp Genetics (formerly Invitae), Labcorp
Classification: Uncertain significance. Last evaluated: 2022-07-25. Review status: criteria provided, single submitter. Criteria: Invitae Variant Classification Sherloc (09022015). Collection method: clinical testing. Allele origin: germline.
Comment: Algorithms developed to predict the effect of sequence changes on RNA splicing suggest that this variant may create or strengthen a splice site. Algorithms developed to predict the effect of missense changes on protein structure and function (SIFT, PolyPhen-2, Align-GVGD) all suggest that this variant is likely to be tolerated. This variant has not been reported in the literature in individuals affected with FLVCR1-related conditions. This variant is present in population databases (rs775511449, gnomAD 0.01%). This sequence change replaces isoleucine, which is neutral and non-polar, with valine, which is neutral and non-polar, at codon 325 of the FLVCR1 protein (p.Ile325Val). In summary, the available evidence is currently insufficient to determine the role of this variant in disease. Therefore, it has been classified as a Variant of Uncertain Significance.

NM_014053.4(FLVCR1):c.973A>G (p.Ile325Val)

Gene: FLVCR1 (FLVCR choline and heme transporter 1; plus strand). Cytogenetic location: 1q32.3.
Variant type: single nucleotide variant.
Coding change: c.973A>G on transcript NM_014053.4 (MANE Select); coding-DNA position 973, A replaced by G.
Protein change: p.Ile325Val; replaces isoleucine 325 with valine.
Molecular consequence: missense variant.
Genome position (GRCh38, 1-based): chr1:212,872,767, A>G. VCF-style: chr1-212872767-A-G. GRCh37 (hg19) VCF-style: chr1-213046109-A-G.
Other names: short protein forms I325V.
Identifiers: ClinVar variation 2092295 (VCV002092295.4), dbSNP rs775511449, ClinGen allele CA1386009.